The following is an entry in ClinVar:

ClinVar aggregate classification (germline): Likely benign (1 of 4 stars; one submission).

gnomAD v4.1: 94 of 1,612,894 alleles (0.0058%); highest among the groups gnomAD compares: Middle Eastern, 0.066%; no homozygotes.

Submission:

CeGaT Center for Human Genetics Tuebingen
Classification: Likely benign. Last evaluated: 2026-04-01. Review status: criteria provided, single submitter. Criteria: CeGaT Center For Human Genetics Tuebingen Variant Classification Criteria Version 2. Collection method: clinical testing. Allele origin: germline. Affected: yes. Observed: 1 variant allele.
Comment: FPGS: BP4, BP7

NM_004957.6(FPGS):c.1491C>T (p.Ser497=)

Gene: FPGS (folylpolyglutamate synthase; plus strand). Cytogenetic location: 9q34.11.
Variant type: single nucleotide variant.
Coding change: c.1491C>T on transcript NM_004957.6 (MANE Select); coding-DNA position 1491, C replaced by T.
Protein change: p.Ser497=; no amino-acid change (serine 497 retained).
Molecular consequence: synonymous variant. On other transcripts: non-coding transcript variant (1).
Genome position (GRCh38, 1-based): chr9:127,813,331, C>T. VCF-style: chr9-127813331-C-T. GRCh37 (hg19) VCF-style: chr9-130575610-C-T.
Other names: c.1341C>T, p.Ser447= (NM_001018078.2); c.1413C>T, p.Ser471= (NM_001288803.1).
Identifiers: ClinVar variation 4872918 (VCV004872918.2).